The following is an entry in ClinVar:

ClinVar aggregate classification (germline): Uncertain significance. Review status: criteria provided, multiple submitters, no conflicts (2 of 4 stars). 2 submissions from 2 submitters: Uncertain significance (2). Last evaluated 2024-09-09.

Conditions:
Inborn genetic diseases. Identifiers: MedGen C0950123, MeSH D030342.
Dyskeratosis congenita, autosomal dominant 6 (DKCA6). Identifiers: Orphanet 3322, MedGen C4225284, MONDO:0014690, OMIM 616553.

Allele frequency attached by ClinVar (database versions not stated): gnomAD 0.00001; TOPMed below 0.00001.

Submissions (2):

Ambry Genetics
Classification: Uncertain significance for Inborn genetic diseases. Last evaluated: 2024-09-09. Review status: criteria provided, single submitter. Criteria: Ambry Variant Classification Scheme 2023. Collection method: clinical testing. Allele origin: germline.

Labcorp Genetics (formerly Invitae), Labcorp
Classification: Uncertain significance for Dyskeratosis congenita, autosomal dominant 6. Last evaluated: 2024-04-03. Review status: criteria provided, single submitter. Criteria: Invitae Variant Classification Sherloc (09022015). Collection method: clinical testing. Allele origin: germline.
Comment: This sequence change replaces alanine, which is neutral and non-polar, with glutamic acid, which is acidic and polar, at codon 42 of the ACD protein (p.Ala42Glu). This variant is not present in population databases (gnomAD no frequency). This variant has not been reported in the literature in individuals affected with ACD-related conditions. ClinVar contains an entry for this variant (Variation ID: 1503092). An algorithm developed to predict the effect of missense changes on protein structure and function (PolyPhen-2) suggests that this variant is likely to be disruptive. In summary, the available evidence is currently insufficient to determine the role of this variant in disease. Therefore, it has been classified as a Variant of Uncertain Significance.

NC_000016.10:g.67660354G>T

Genes: ACD (ACD shelterin complex subunit and telomerase recruitment factor; minus strand), LOC130059224 (ATAC-STARR-seq lymphoblastoid silent region 7617; plus strand). Cytogenetic location: 16q22.1.
Variant type: single nucleotide variant.
Genome position: GRCh38 VCF-style: chr16-67660354-G-T. GRCh37 (hg19) VCF-style: chr16-67694257-G-T.
Other names: short protein forms A42E.
Identifiers: ClinVar variation 1503092 (VCV001503092.10), dbSNP rs1396620065, ClinGen allele CA396359670.
Genomic context (GRCh38, chr16:67,660,354, plus strand): 5'-AGAGGAAGCTCCTTCGCTGGGCGGGGCCGGAGGAGGAGGCCCCGCCCACGTACACCCCGC[G>T]CCTGCGCACGAGGGCGTCCTGCTCGGGGGCCTGTGTGCAGACTCCCGCTGGTCCACCCCG-3'